The following is an entry in ClinVar:

ClinVar aggregate classification (germline): Uncertain significance (0 of 4 stars; one submission).

Conditions:
RPS6KA3-related disorder. Also called: RPS6KA3-related condition.

Allele frequency attached by ClinVar (database versions not stated): TOPMed 0.00001; gnomAD exomes 0.00004.
gnomAD v4.1: 39 of 1,153,948 alleles (0.0034%); highest among the groups gnomAD compares: Non-Finnish European, 0.0045%; no homozygotes.

Submission:

PreventionGenetics, part of Exact Sciences
Classification: Uncertain significance for RPS6KA3-related condition. Last evaluated: 2024-02-07. Review status: no assertion criteria provided. Collection method: clinical testing. Allele origin: germline.
Comment: The RPS6KA3 c.50G>A variant is predicted to result in the amino acid substitution p.Ser17Asn. To our knowledge, this variant has not been reported in the literature. This variant is reported in 0.0029% of alleles in individuals of European (Non-Finnish) descent in gnomAD. At this time, the clinical significance of this variant is uncertain due to the absence of conclusive functional and genetic evidence.

NM_004586.3(RPS6KA3):c.50G>A (p.Ser17Asn)

Genes: RPS6KA3 (ribosomal protein S6 kinase A3; minus strand), LOC130068032 (ATAC-STARR-seq lymphoblastoid silent region 20696; plus strand). Cytogenetic location: Xp22.12.
Variant type: single nucleotide variant.
Coding change: c.50G>A on transcript NM_004586.3 (MANE Select); coding-DNA position 50, G replaced by A.
Protein change: p.Ser17Asn; replaces serine 17 with asparagine.
Molecular consequence: missense variant.
Genome position (GRCh38, 1-based): chrX:20,266,583, C>T on the plus strand (G>A on the coding strand, the complement: RPS6KA3 is on the minus strand). VCF-style: chrX-20266583-C-T. GRCh37 (hg19) VCF-style: chrX-20284701-C-T.
Other names: short protein forms S17N.
Identifiers: ClinVar variation 3046137 (VCV003046137.2), dbSNP rs1463499917, ClinGen allele CA412510475.